The following is an entry in ClinVar:

NM_020706.2(SCAF4):c.353A>G (p.Gln118Arg)

Gene: SCAF4 (SR-related CTD associated factor 4; minus strand). Cytogenetic location: 21q22.11.
Variant type: single nucleotide variant.
Coding change: c.353A>G on transcript NM_020706.2 (MANE Select); coding-DNA position 353, A replaced by G.
Protein change: p.Gln118Arg; replaces glutamine 118 with arginine.
Molecular consequence: missense variant.
Genome position (GRCh38, 1-based): chr21:31,702,348, T>C on the plus strand (A>G on the coding strand, the complement: SCAF4 is on the minus strand). VCF-style: chr21-31702348-T-C. GRCh37 (hg19) VCF-style: chr21-33074661-T-C.
Other names: c.308A>G, p.Gln103Arg (NM_001145444.1); c.353A>G, p.Gln118Arg (NM_001145445.1); short protein forms Q103R, Q118R.
Identifiers: ClinVar variation 4976583 (VCV004976583.1).
Genomic context (GRCh38, chr21:31,702,348, plus strand): 5'-GTTCCCGCTGCCATGTCCAAAAGAGGTTGAATAATTTCAATTTTGAACACTCCATTTTTT[T>C]GCCAAAGGTTCAGCACACGAACTATTTTACTCTGTTACGCATGAGAAACACAAATATACA-3'
Protein context (NP_065757.1, residues 108-128): SKIVRVLNLW[Gln118Arg]KNGVFKIEII

ClinVar aggregate classification (germline): Uncertain significance (1 of 4 stars; one submission).

gnomAD v4.1: 1 of 1,614,114 alleles (0.000062%); highest among the groups gnomAD compares: Non-Finnish European, 0.000085%; no homozygotes.

Submission:

GeneDx
Classification: Uncertain significance. Last evaluated: 2026-02-10. Review status: criteria provided, single submitter. Criteria: GeneDx Variant Classification Process June 2021. Collection method: clinical testing. Allele origin: germline.
Comment: Not observed at significant frequency in large population cohorts (gnomAD); In silico analysis supports that this missense variant has a deleterious effect on protein structure/function; Has not been previously published as pathogenic or benign to our knowledge